The following is an entry in ClinVar:

NM_001184880.2(PCDH19):c.3422A>G (p.Lys1141Arg)

Gene: PCDH19 (protocadherin 19; minus strand). Cytogenetic location: Xq22.1.
Variant type: single nucleotide variant.
Coding change: c.3422A>G on transcript NM_001184880.2 (MANE Select); coding-DNA position 3422, A replaced by G.
Protein change: p.Lys1141Arg; replaces lysine 1141 with arginine.
Molecular consequence: missense variant.
Genome position (GRCh38, 1-based): chrX:100,296,302, T>C on the plus strand (A>G on the coding strand, the complement: PCDH19 is on the minus strand). VCF-style: chrX-100296302-T-C. GRCh37 (hg19) VCF-style: chrX-99551300-T-C.
Other names: c.3281A>G, p.Lys1094Arg (NM_001105243.2); c.3278A>G, p.Lys1093Arg (NM_020766.3); short protein forms K1141R, K1094R, K1093R.
Identifiers: ClinVar variation 2178913 (VCV002178913.4), dbSNP rs1446535990, ClinGen allele CA413999353.
Genomic context (GRCh38, chrX:100,296,302, plus strand): 5'-AGTGTGGTTTCTTTCTCTTCTTCCTGGAGACTGGTTTAGAGAACGATATCCTTCAGACGC[T>C]TCACACCAGGGGACTCTTTGTTGCGACCTTCCTTCAGAATGGGGCTGACCTCATGCATGA-3'
Protein context (NP_001171809.1, residues 1131-1148): EGRNKESPGV[Lys1141Arg]RLKDIVL

ClinVar aggregate classification (germline): Uncertain significance (1 of 4 stars; one submission).

Conditions:
Developmental and epileptic encephalopathy, 9 (DEE9). Also called: EPILEPSY, FEMALE-RESTRICTED, WITH MENTAL RETARDATION; Early infantile epileptic encephalopathy 9; JUBERG-HELLMAN SYNDROME; PCDH19-Related X-Linked Female-Limited Epilepsy with Mental Retardation. Identifiers: Orphanet 101039, Orphanet 2076, MedGen C1848137, MONDO:0010246, OMIM 300088. Disease mechanism: loss of function.

Allele frequency attached by ClinVar (database versions not stated): gnomAD exomes below 0.00001.
gnomAD v4.1: 2 of 1,210,622 alleles (0.00017%); highest among the groups gnomAD compares: Non-Finnish European, 0.00022%; no homozygotes.

Submission:

Labcorp Genetics (formerly Invitae), Labcorp
Classification: Uncertain significance for Developmental and epileptic encephalopathy, 9. Last evaluated: 2022-06-13. Review status: criteria provided, single submitter. Criteria: Invitae Variant Classification Sherloc (09022015). Collection method: clinical testing. Allele origin: germline.
Comment: This variant is present in population databases (no rsID available, gnomAD 0.009%). This sequence change replaces lysine, which is basic and polar, with arginine, which is basic and polar, at codon 1141 of the PCDH19 protein (p.Lys1141Arg). This variant has not been reported in the literature in individuals affected with PCDH19-related conditions. In summary, the available evidence is currently insufficient to determine the role of this variant in disease. Therefore, it has been classified as a Variant of Uncertain Significance. Advanced modeling of protein sequence and biophysical properties (such as structural, functional, and spatial information, amino acid conservation, physicochemical variation, residue mobility, and thermodynamic stability) performed at Invitae indicates that this missense variant is not expected to disrupt PCDH19 protein function.